The following is an entry in ClinVar:

ClinVar aggregate classification (germline): Likely benign. Review status: criteria provided, multiple submitters, no conflicts (2 of 4 stars). 2 submissions from 2 submitters: Likely benign (2). Last evaluated 2026-01-12.

Conditions:
Tuberous sclerosis 2 (TSC2). Identifiers: Orphanet 805, MedGen C1860707, MONDO:0013199, OMIM 613254.

Allele frequency attached by ClinVar (database versions not stated): gnomAD exomes below 0.00001; gnomAD 0.00001.
gnomAD v4.1: 4 of 1,611,570 alleles (0.00025%); highest among the groups gnomAD compares: Admixed American, 0.0017%; no homozygotes.

Submissions (2):

Labcorp Genetics (formerly Invitae), Labcorp
Classification: Likely benign for Tuberous sclerosis 2. Last evaluated: 2026-01-12. Review status: criteria provided, single submitter. Criteria: Invitae Variant Classification Sherloc (09022015). Collection method: clinical testing. Allele origin: germline.

Myriad Genetics, Inc.
Classification: Likely benign for Tuberous sclerosis 2. Last evaluated: 2025-05-30. Review status: criteria provided, single submitter. Criteria: Myriad Autosomal Dominant, Autosomal Recessive and X-Linked Classification Criteria (2023). Collection method: clinical testing. Allele origin: unknown.
Comment: This variant is considered likely benign. This variant is intronic and is not expected to impact mRNA splicing.

NM_000548.5(TSC2):c.3814+9C>T

Gene: TSC2 (TSC complex subunit 2; plus strand). Cytogenetic location: 16p13.3.
Variant type: single nucleotide variant.
Coding change: c.3814+9C>T on transcript NM_000548.5 (MANE Select); 9 bases into the intron after coding-DNA position 3814, C replaced by T.
Molecular consequence: intron variant.
Genome position (GRCh38, 1-based): chr16:2,081,807, C>T. VCF-style: chr16-2081807-C-T. GRCh37 (hg19) VCF-style: chr16-2131808-C-T.
Other names: c.3574+9C>T (NM_001318827.2); c.3082+9C>T (NM_001318831.2); c.3538+9C>T (NM_001318829.2); c.3715+9C>T (NM_001318832.2); c.3814+9C>T (NM_001114382.3); c.3685+9C>T (NM_021055.3, NM_001370405.1, NM_001363528.2); c.3682+9C>T (NM_001370404.1, NM_001077183.3).
Identifiers: ClinVar variation 1046743 (VCV001046743.9), dbSNP rs371944932, ClinGen allele CA973772409.
Genomic context (GRCh38, chr16:2,081,807, plus strand): 5'-GTGCCGGCAGCCAGCACGGCCAAACCCCCTCCTCTGCCTCGCTCCAACACAGGTGAGTGG[C>T]ATGGCGGGCCTTGGCACGGGCTCTGCTCCCACTGGCCTGGTGCTCCCGGTGACGGCAATG-3'